The following is an entry in ClinVar:

ClinVar aggregate classification (germline): Conflicting classifications of pathogenicity. Review status: criteria provided, conflicting classifications (1 of 4 stars). 2 submissions from 2 submitters: Uncertain significance (1); Likely benign (1). Last evaluated 2024-01-30.

Conditions:
Hereditary nonpolyposis colorectal neoplasms. Identifiers: MedGen C0009405, MeSH D003123.
Hereditary cancer-predisposing syndrome. Also called: Hereditary Cancer Syndrome; Hereditary neoplastic syndrome; Neoplastic Syndromes, Hereditary; Tumor predisposition. Identifiers: Orphanet 140162, MedGen C0027672, MeSH D009386, MONDO:0015356.

Submissions (2):

Labcorp Genetics (formerly Invitae), Labcorp
Classification: Uncertain significance for Hereditary nonpolyposis colorectal neoplasms. Last evaluated: 2024-01-30. Review status: criteria provided, single submitter. Criteria: Invitae Variant Classification Sherloc (09022015). Collection method: clinical testing. Allele origin: germline.
Comment: This sequence change replaces lysine, which is basic and polar, with arginine, which is basic and polar, at codon 647 of the PMS2 protein (p.Lys647Arg). This variant is not present in population databases (gnomAD no frequency). This variant has not been reported in the literature in individuals affected with PMS2-related conditions. ClinVar contains an entry for this variant (Variation ID: 455675). Advanced modeling of protein sequence and biophysical properties (such as structural, functional, and spatial information, amino acid conservation, physicochemical variation, residue mobility, and thermodynamic stability) performed at Invitae indicates that this missense variant is not expected to disrupt PMS2 protein function with a negative predictive value of 80%. In summary, the available evidence is currently insufficient to determine the role of this variant in disease. Therefore, it has been classified as a Variant of Uncertain Significance.

Ambry Genetics
Classification: Likely benign for Hereditary cancer-predisposing syndrome. Last evaluated: 2021-09-27. Review status: criteria provided, single submitter. Criteria: Ambry Variant Classification Scheme 2023. Collection method: clinical testing. Allele origin: germline.

NM_000535.7(PMS2):c.1940A>G (p.Lys647Arg)

Gene: PMS2 (PMS1 homolog 2, mismatch repair system component; minus strand). Cytogenetic location: 7p22.1.
Variant type: single nucleotide variant.
Coding change: c.1940A>G on transcript NM_000535.7 (MANE Select); coding-DNA position 1940, A replaced by G.
Protein change: p.Lys647Arg; replaces lysine 647 with arginine.
Molecular consequence: missense variant. On other transcripts: non-coding transcript variant (1).
Genome position (GRCh38, 1-based): chr7:5,986,825, T>C on the plus strand (A>G on the coding strand, the complement: PMS2 is on the minus strand). VCF-style: chr7-5986825-T-C. GRCh37 (hg19) VCF-style: chr7-6026456-T-C.
Other names: c.1535A>G, p.Lys512Arg (NM_001322003.2, NM_001322004.2, NM_001322005.2 and 1 more transcripts); c.1784A>G, p.Lys595Arg (NM_001322006.2); c.1622A>G, p.Lys541Arg (NM_001322007.2, NM_001322008.2); c.1379A>G, p.Lys460Arg (NM_001322010.2); c.1007A>G, p.Lys336Arg (NM_001322011.2, NM_001322012.2); c.1367A>G, p.Lys456Arg (NM_001322013.2); c.1940A>G, p.Lys647Arg (NM_001322014.2); c.1631A>G, p.Lys544Arg (NM_001322015.2); short protein forms K647R, K336R, K541R, K456R, K460R, K512R, K595R, K544R.
Identifiers: ClinVar variation 455675 (VCV000455675.11), dbSNP rs1554297100, ClinGen allele CA366739148.
Genomic context (GRCh38, chr7:5,986,825, plus strand): 5'-TCTTTTCTTAGTTCATCTTCGGCTGCTTGATTTTCTCCAGGACAAATCTTTGCCCTAAAC[T>C]TCCTGTAATTCTGTTCCCCTTCACTTTGCTGTGCTTCATGATGTAACTGCTTTATTCGTT-3'
Protein context (NP_000526.2, residues 637-657): QQSEGEQNYR[Lys647Arg]FRAKICPGEN